The following is an entry in ClinVar:

ClinVar aggregate classification (germline): Uncertain significance (1 of 4 stars; one submission).

Conditions:
Hypertrophic cardiomyopathy. Also called: HYPERTROPHIC MYOCARDIOPATHY. Identifiers: Orphanet 217569, MedGen C0007194, MeSH D002312, MONDO:0005045, HP:0001639.

Allele frequency attached by ClinVar (database versions not stated): gnomAD exomes below 0.00001; TOPMed below 0.00001.
gnomAD v4.1: 5 of 1,613,802 alleles (0.00031%); highest among the groups gnomAD compares: African/African-American, 0.0013%; no homozygotes.

Submission:

Labcorp Genetics (formerly Invitae), Labcorp
Classification: Uncertain significance for Hypertrophic cardiomyopathy. Last evaluated: 2023-01-01. Review status: criteria provided, single submitter. Criteria: Invitae Variant Classification Sherloc (09022015). Collection method: clinical testing. Allele origin: germline.
Comment: This sequence change creates a premature translational stop signal (p.Arg685*) in the MYOM1 gene. It is expected to result in an absent or disrupted protein product. However, the current clinical and genetic evidence is not sufficient to establish whether loss-of-function variants in MYOM1 cause disease. This variant is present in population databases (no rsID available, gnomAD 0.0009%). This variant has not been reported in the literature in individuals affected with MYOM1-related conditions. ClinVar contains an entry for this variant (Variation ID: 957216). In summary, the available evidence is currently insufficient to determine the role of this variant in disease. Therefore, it has been classified as a Variant of Uncertain Significance.

NM_003803.4(MYOM1):c.2053C>T (p.Arg685Ter)

Gene: MYOM1 (myomesin 1; minus strand). Cytogenetic location: 18p11.31.
Variant type: single nucleotide variant.
Coding change: c.2053C>T on transcript NM_003803.4 (MANE Select); coding-DNA position 2053, C replaced by T.
Protein change: p.Arg685Ter; replaces arginine 685 with a stop codon.
Molecular consequence: nonsense.
Genome position (GRCh38, 1-based): chr18:3,135,703, G>A on the plus strand (C>T on the coding strand, the complement: MYOM1 is on the minus strand). VCF-style: chr18-3135703-G-A. GRCh37 (hg19) VCF-style: chr18-3135701-G-A.
Other names: c.2053C>T, p.Arg685Ter (NM_019856.2); short protein forms R685*.
Identifiers: ClinVar variation 957216 (VCV000957216.7), dbSNP rs1475217854, ClinGen allele CA401713184.